The following is an entry in ClinVar:

ClinVar aggregate classification (germline): Uncertain significance (1 of 4 stars; one submission).

Conditions:
Amyotrophic lateral sclerosis type 6. Also called: FUS-Related Amyotrophic Laterial Sclerosis; AMYOTROPHIC LATERAL SCLEROSIS 6 WITHOUT FRONTOTEMPORAL DEMENTIA; Amyotrophic lateral sclerosis 6, with or without frontotemporal dementia. Identifiers: Orphanet 275872, Orphanet 803, MedGen C2931786, MONDO:0011951, OMIM 608030.
Tremor, hereditary essential, 4 (ETM4). Identifiers: MedGen C3539195, MONDO:0013888, OMIM 614782.

Submission:

Labcorp Genetics (formerly Invitae), Labcorp
Classification: Uncertain significance for Tremor, hereditary essential, 4; Amyotrophic lateral sclerosis type 6. Last evaluated: 2019-12-19. Review status: criteria provided, single submitter. Criteria: Invitae Variant Classification Sherloc (09022015). Collection method: clinical testing. Allele origin: germline.
Comment: In summary, the available evidence is currently insufficient to determine the role of this variant in disease. Therefore, it has been classified as a Variant of Uncertain Significance. Experimental studies and prediction algorithms are not available or were not evaluated, and the functional significance of this variant is currently unknown. This variant has been observed in individual(s) with amyotrophic lateral sclerosis (Invitae). This variant is not present in population databases (ExAC no frequency). This variant, c.1545_1547dup, results in the insertion of 1 amino acid(s) to the FUS protein (p.Gly515_Glu516insAsp), but otherwise preserves the integrity of the reading frame.

NM_004960.4(FUS):c.1545_1547dup (p.Gly515_Glu516insAsp)

Gene: FUS (FUS RNA binding protein; plus strand). Cytogenetic location: 16p11.2.
Variant type: Duplication.
Coding change: c.1545_1547dup on transcript NM_004960.4 (MANE Select); coding-DNA positions 1545 to 1547, 3 bases duplicated (TGA; older notation c.1545_1547dupTGA).
Protein change: p.Gly515_Glu516insAsp.
Molecular consequence: inframe insertion. On other transcripts: non-coding transcript variant (1).
Genome position (GRCh38, 1-based): chr16:31,191,402-31,191,404, TGA duplicated. VCF-style (leftmost placement, unchanged base first): chr16-31191401-G-GTGA. GRCh37 (hg19) VCF-style: chr16-31202722-G-GTGA.
Other names: c.1542_1544dup, p.Gly514_Glu515insAsp (NM_001170634.1); c.1533_1535dup, p.Gly511_Glu512insAsp (NM_001170937.1).
Identifiers: ClinVar variation 843607 (VCV000843607.10), dbSNP rs2079357583, ClinGen allele CA916082431.